The following is an entry in ClinVar:

ClinVar aggregate classification (germline): Uncertain significance (1 of 4 stars; one submission).

Conditions:
Epileptic encephalopathy. Identifiers: MedGen C0543888, HP:0200134.

gnomAD v4.1: 1 of 1,609,710 alleles (0.000062%); highest among the groups gnomAD compares: Non-Finnish European, 0.000085%; no homozygotes.

Submission:

Labcorp Genetics (formerly Invitae), Labcorp
Classification: Uncertain significance for Epileptic encephalopathy. Last evaluated: 2022-05-27. Review status: criteria provided, single submitter. Criteria: Invitae Variant Classification Sherloc (09022015). Collection method: clinical testing. Allele origin: germline.
Comment: This sequence change replaces proline, which is neutral and non-polar, with leucine, which is neutral and non-polar, at codon 2205 of the FASN protein (p.Pro2205Leu). This variant is not present in population databases (gnomAD no frequency). This variant has not been reported in the literature in individuals affected with FASN-related conditions. Algorithms developed to predict the effect of missense changes on protein structure and function (SIFT, PolyPhen-2, Align-GVGD) all suggest that this variant is likely to be tolerated. In summary, the available evidence is currently insufficient to determine the role of this variant in disease. Therefore, it has been classified as a Variant of Uncertain Significance.

NM_004104.5(FASN):c.6614C>T (p.Pro2205Leu)

Gene: FASN (fatty acid synthase; minus strand). Cytogenetic location: 17q25.3.
Variant type: single nucleotide variant.
Coding change: c.6614C>T on transcript NM_004104.5 (MANE Select); coding-DNA position 6614, C replaced by T.
Protein change: p.Pro2205Leu; replaces proline 2205 with leucine.
Molecular consequence: missense variant.
Genome position (GRCh38, 1-based): chr17:82,080,904, G>A on the plus strand (C>T on the coding strand, the complement: FASN is on the minus strand). VCF-style: chr17-82080904-G-A. GRCh37 (hg19) VCF-style: chr17-80038780-G-A.
Other names: short protein forms P2205L.
Identifiers: ClinVar variation 1362556 (VCV001362556.8), dbSNP rs964806081, ClinGen allele CA401599043.
Genomic context (GRCh38, chr17:82,080,904, plus strand): 5'-TTCACCAGCAGGGAGCGCAGGTTCAGCTGAGTCTGCTGCTGGGCCAGACCATCCTCCTTG[G>A]GCGTGGGGCATGCCAGCTCTGTGAAGACAGGGGCAGATGCCAGGCTGGTCTGGGTGCAGA-3'
Protein context (NP_004095.4, residues 2195-2215): DEASELACPT[Pro2205Leu]KEDGLAQQQT